The following is an entry in ClinVar:

NM_005189.3(CBX2):c.10C>G (p.Leu4Val)

Genes: CBX2 (chromobox 2; plus strand), LOC130061877 (ATAC-STARR-seq lymphoblastoid silent region 9082; plus strand). Cytogenetic location: 17q25.3.
Variant type: single nucleotide variant.
Coding change: c.10C>G on transcript NM_005189.3 (MANE Select); coding-DNA position 10, C replaced by G.
Protein change: p.Leu4Val; replaces leucine 4 with valine.
Molecular consequence: missense variant.
Genome position (GRCh38, 1-based): chr17:79,778,245, C>G. VCF-style: chr17-79778245-C-G. GRCh37 (hg19) VCF-style: chr17-77752044-C-G.
Other names: c.10C>G, p.Leu4Val (NM_032647.4); short protein forms L4V.
Identifiers: ClinVar variation 1413266 (VCV001413266.6), dbSNP rs2145819164, ClinGen allele CA401325192.

ClinVar aggregate classification (germline): Uncertain significance (1 of 4 stars; one submission).

gnomAD v4.1: 1 of 1,495,550 alleles (0.000067%); highest among the groups gnomAD compares: Non-Finnish European, 0.000089%; no homozygotes.

Submission:

Labcorp Genetics (formerly Invitae), Labcorp
Classification: Uncertain significance. Last evaluated: 2021-09-16. Review status: criteria provided, single submitter. Criteria: Invitae Variant Classification Sherloc (09022015). Collection method: clinical testing. Allele origin: germline.
Comment: In summary, the available evidence is currently insufficient to determine the role of this variant in disease. Therefore, it has been classified as a Variant of Uncertain Significance. Algorithms developed to predict the effect of sequence changes on RNA splicing suggest that this variant may create or strengthen a splice site. Algorithms developed to predict the effect of missense changes on protein structure and function are either unavailable or do not agree on the potential impact of this missense change (SIFT: "Deleterious"; PolyPhen-2: "Possibly Damaging"; Align-GVGD: "Class C0"). This variant has not been reported in the literature in individuals affected with CBX2-related conditions. The frequency data for this variant in the population databases is considered unreliable, as metrics indicate insufficient coverage at this position in the ExAC database. This sequence change replaces leucine with valine at codon 4 of the CBX2 protein (p.Leu4Val). The leucine residue is moderately conserved and there is a small physicochemical difference between leucine and valine.